The following is an entry in ClinVar:

ClinVar aggregate classification (germline): Uncertain significance (1 of 4 stars; one submission).

Conditions:
Familial thoracic aortic aneurysm and aortic dissection (TAAD). Also called: Thoracic aortic aneurysms and dissections. Identifiers: Orphanet 91387, MedGen C4707243, MONDO:0019625.

Submission:

Ambry Genetics
Classification: Uncertain significance for Familial thoracic aortic aneurysm and aortic dissection. Last evaluated: 2024-01-22. Review status: criteria provided, single submitter. Criteria: Ambry Variant Classification Scheme 2023. Collection method: clinical testing. Allele origin: germline.
Comment: The p.P2270R variant (also known as c.6809C>G), located in coding exon 34 of the NOTCH1 gene, results from a C to G substitution at nucleotide position 6809. The proline at codon 2270 is replaced by arginine, an amino acid with dissimilar properties. This amino acid position is conserved. In addition, the in silico prediction for this alteration is inconclusive. Based on the available evidence, the clinical significance of this alteration remains unclear.

NM_017617.5(NOTCH1):c.6809C>G (p.Pro2270Arg)

Gene: NOTCH1 (notch receptor 1; minus strand). Cytogenetic location: 9q34.3.
Variant type: single nucleotide variant.
Coding change: c.6809C>G on transcript NM_017617.5 (MANE Select); coding-DNA position 6809, C replaced by G.
Protein change: p.Pro2270Arg; replaces proline 2270 with arginine.
Molecular consequence: missense variant.
Genome position (GRCh38, 1-based): chr9:136,496,930, G>C on the plus strand (C>G on the coding strand, the complement: NOTCH1 is on the minus strand). VCF-style: chr9-136496930-G-C. GRCh37 (hg19) VCF-style: chr9-139391382-G-C.
Other names: short protein forms P2270R.
Identifiers: ClinVar variation 3226986 (VCV003226986.1), dbSNP rs2133317134, ClinGen allele CA375630230.
Genomic context (GRCh38, chr9:136,496,930, plus strand): 5'-CTGCTGGAGCCCAGGACGGTGCTGGTGCCAGAGGCCACAGGCAGGTGGGAGAGACGAGGT[G>C]GGCCAGTCTCAAAGGCCAGCCGGCCGCCCCCACCCAGCGCCGCCATCTCGGGCTTGGCCG-3'
Protein context (NP_060087.3, residues 2260-2280): GGGRLAFETG[Pro2270Arg]PRLSHLPVAS